The following is an entry in ClinVar:

ClinVar aggregate classification (germline): Uncertain significance (1 of 4 stars; one submission).

Conditions:
Pyridoxine-dependent epilepsy (EPEO4). Also called: Pyridoxine-Dependent Seizures; Pyridoxine-Dependent Epilepsy - ALDH7A1; PYRIDOXINE DEPENDENCY WITH SEIZURES; EPILEPSY, EARLY-ONSET, 4, VITAMIN B6-DEPENDENT. Identifiers: Orphanet 3006, MedGen C1849508, MONDO:0009945, OMIM 266100. Disease mechanism: loss of function.

Submission:

Labcorp Genetics (formerly Invitae), Labcorp
Classification: Uncertain significance for Pyridoxine-dependent epilepsy. Last evaluated: 2023-10-16. Review status: criteria provided, single submitter. Criteria: Invitae Variant Classification Sherloc (09022015). Collection method: clinical testing. Allele origin: germline.
Comment: This sequence change replaces valine, which is neutral and non-polar, with phenylalanine, which is neutral and non-polar, at codon 147 of the ALDH7A1 protein (p.Val147Phe). This variant is not present in population databases (gnomAD no frequency). This variant has not been reported in the literature in individuals affected with ALDH7A1-related conditions. ClinVar contains an entry for this variant (Variation ID: 2134249). Advanced modeling of protein sequence and biophysical properties (such as structural, functional, and spatial information, amino acid conservation, physicochemical variation, residue mobility, and thermodynamic stability) performed at Invitae indicates that this missense variant is expected to disrupt ALDH7A1 protein function. In summary, the available evidence is currently insufficient to determine the role of this variant in disease. Therefore, it has been classified as a Variant of Uncertain Significance.

NM_001182.5(ALDH7A1):c.439G>T (p.Val147Phe)

Gene: ALDH7A1 (aldehyde dehydrogenase 7 family member A1; minus strand). Cytogenetic location: 5q23.2.
Variant type: single nucleotide variant.
Coding change: c.439G>T on transcript NM_001182.5 (MANE Select); coding-DNA position 439, G replaced by T.
Protein change: p.Val147Phe; replaces valine 147 with phenylalanine.
Molecular consequence: missense variant.
Genome position (GRCh38, 1-based): chr5:126,582,929, C>A on the plus strand (G>T on the coding strand, the complement: ALDH7A1 is on the minus strand). VCF-style: chr5-126582929-C-A. GRCh37 (hg19) VCF-style: chr5-125918621-C-A.
Other names: c.355G>T, p.Val119Phe (NM_001201377.2); c.439G>T, p.Val147Phe (NM_001202404.2); short protein forms V147F, V119F.
Identifiers: ClinVar variation 2134249 (VCV002134249.4), dbSNP rs2480338099, ClinGen allele CA360731860.